The following is an entry in ClinVar:

NM_022725.4(FANCF):c.1089A>C (p.Gln363His)

Genes: FANCF (FA complementation group F; minus strand), LOC130005443 (ATAC-STARR-seq lymphoblastoid active region 4533; plus strand). Cytogenetic location: 11p14.3.
Variant type: single nucleotide variant.
Coding change: c.1089A>C on transcript NM_022725.4 (MANE Select); coding-DNA position 1089, A replaced by C.
Protein change: p.Gln363His; replaces glutamine 363 with histidine.
Molecular consequence: missense variant.
Genome position (GRCh38, 1-based): chr11:22,624,722, T>G on the plus strand (A>C on the coding strand, the complement: FANCF is on the minus strand). VCF-style: chr11-22624722-T-G. GRCh37 (hg19) VCF-style: chr11-22646268-T-G.
Other names: short protein forms Q363H.
Identifiers: ClinVar variation 847575 (VCV000847575.7), dbSNP rs1858613638, ClinGen allele CA380057697.

ClinVar aggregate classification (germline): Uncertain significance (1 of 4 stars; one submission).

Conditions:
Fanconi anemia (FA). Also called: Fanconi's anemia. Identifiers: Orphanet 84, MedGen C0015625, MeSH D005199, MONDO:0019391.

Allele frequency attached by ClinVar (database versions not stated): gnomAD exomes below 0.00001.
gnomAD v4.1: 4 of 1,614,148 alleles (0.00025%); highest among the groups gnomAD compares: Admixed American, 0.0017%; no homozygotes.

Submission:

Labcorp Genetics (formerly Invitae), Labcorp
Classification: Uncertain significance for Fanconi anemia. Last evaluated: 2022-10-08. Review status: criteria provided, single submitter. Criteria: Invitae Variant Classification Sherloc (09022015). Collection method: clinical testing. Allele origin: germline.
Comment: This sequence change replaces glutamine, which is neutral and polar, with histidine, which is basic and polar, at codon 363 of the FANCF protein (p.Gln363His). This variant is not present in population databases (gnomAD no frequency). This variant has not been reported in the literature in individuals affected with FANCF-related conditions. ClinVar contains an entry for this variant (Variation ID: 847575). Algorithms developed to predict the effect of missense changes on protein structure and function (SIFT, PolyPhen-2, Align-GVGD) all suggest that this variant is likely to be tolerated. In summary, the available evidence is currently insufficient to determine the role of this variant in disease. Therefore, it has been classified as a Variant of Uncertain Significance.